The following is an entry in ClinVar:

NM_021620.4(PRDM13):c.1133_1134insGCCGCT (p.Pro378_Gly379insProLeu)

Genes: PRDM13 (PR/SET domain 13; plus strand), LOC129996881 (ATAC-STARR-seq lymphoblastoid silent region 17422; plus strand). Cytogenetic location: 6q16.2.
Variant type: Insertion.
Coding change: c.1133_1134insGCCGCT on transcript NM_021620.4 (MANE Select); coding-DNA positions 1133 to 1134, GCCGCT inserted.
Protein change: p.Pro378_Gly379insProLeu.
Molecular consequence: inframe insertion.
Genome position: GRCh38 VCF-style: chr6-99613768-C-CGCCGCT. GRCh37 (hg19) VCF-style: chr6-100061644-C-CGCCGCT.
Identifiers: ClinVar variation 852905 (VCV000852905.12), dbSNP rs3832402, ClinGen allele CA569097815.

ClinVar aggregate classification (germline): Uncertain significance (1 of 4 stars; one submission).

Allele frequency attached by ClinVar (database versions not stated): gnomAD 0.00001; TOPMed 0.00001; gnomAD exomes 0.00002 and 0.00004.

Submission:

Labcorp Genetics (formerly Invitae), Labcorp
Classification: Uncertain significance. Last evaluated: 2025-12-29. Review status: criteria provided, single submitter. Criteria: Invitae Variant Classification Sherloc (09022015). Collection method: clinical testing. Allele origin: germline.
Comment: This variant, c.1133_1134insGCCGCT, results in the insertion of 2 amino acid(s) of the PRDM13 protein (p.Pro378_Gly379insProLeu), but otherwise preserves the integrity of the reading frame. This variant is present in population databases (no rsID available, gnomAD 0.01%). This variant has not been reported in the literature in individuals affected with PRDM13-related conditions. ClinVar contains an entry for this variant (Variation ID: 852905). Experimental studies and prediction algorithms are not available or were not evaluated, and the functional significance of this variant is currently unknown. In summary, the available evidence is currently insufficient to determine the role of this variant in disease. Therefore, it has been classified as a Variant of Uncertain Significance.